The following is an entry in ClinVar:

ClinVar aggregate classification (germline): Conflicting classifications of pathogenicity. Review status: criteria provided, conflicting classifications (1 of 4 stars). 2 submissions from 2 submitters: Likely pathogenic (1); Uncertain significance (1). Last evaluated 2026-02-24.

Conditions:
Fetal anomalies with a likely genetic cause.

gnomAD v4.1: 51 of 1,135,584 alleles (0.0045%); highest among the groups gnomAD compares: Non-Finnish European, 0.0055%; no homozygotes.

Submissions (2):

Genetics Laboratory, Great Ormond Street Hospital NHS Foundation Trust, North Thames Genomic Laboratory Hub
Classification: Likely pathogenic for Fetal anomalies with a likely genetic cause. Last evaluated: 2026-02-24. Review status: criteria provided, single submitter. Criteria: ACGS Best Practice Guidelines for Variant Classification in Rare Disease 2024 v1.2. Collection method: clinical testing. Allele origin: germline. Affected: yes.
Comment: PM2_moderate, PP3_supporting, PM3_moderate, PP4_supporting

Mayo Clinic Laboratories, Mayo Clinic
Classification: Uncertain significance. Last evaluated: 2025-06-17. Review status: criteria provided, single submitter. Criteria: ACMG Guidelines, 2015. Collection method: clinical testing. Allele origin: germline. Observed: 2 variant alleles.
Comment: PP3_moderate, PM2_supporting

NM_001142864.4(PIEZO1):c.3053A>G (p.His1018Arg)

Genes: HSALR1 (HSP90AB1 associated lncRNA 1; plus strand), PIEZO1 (piezo type mechanosensitive ion channel component 1 (Er blood group); minus strand). Cytogenetic location: 16q24.3.
Variant type: single nucleotide variant.
Coding change: c.3053A>G on transcript NM_001142864.4 (MANE Select); coding-DNA position 3053, A replaced by G.
Protein change: p.His1018Arg; replaces histidine 1018 with arginine.
Molecular consequence: missense variant.
Genome position (GRCh38, 1-based): chr16:88,731,849, T>C on the plus strand (A>G on the coding strand, the complement: PIEZO1 is on the minus strand). VCF-style: chr16-88731849-T-C. GRCh37 (hg19) VCF-style: chr16-88798257-T-C.
Other names: p.His1018Arg; short protein forms H1018R.
Identifiers: ClinVar variation 4542093 (VCV004542093.2).
Genomic context (GRCh38, chr16:88,731,849, plus strand): 5'-CAGAGGCGGGCAATGGCCTGGCGGTGCCTGCGGGTGAGGATGGCCACCAGCCAGCAACCG[T>C]GCAGGGTCACCAGAAAGTTCATGCGCTGCCCGATCACGTTCACGGCCATCAGGAAGCAGA-3'
Protein context (NP_001136336.2, residues 1008-1028): GQRMNFLVTL[His1018Arg]GCWLVAILTR